The following is an entry in ClinVar:

ClinVar aggregate classification (germline): Benign (1 of 4 stars; one submission).

Allele frequency attached by ClinVar (database versions not stated): gnomAD 0.06985 and 0.07521; 1000 Genomes Project 0.07768; TOPMed 0.07830; 1000 Genomes Project 30x 0.08089.
gnomAD v4.1: 10,552 of 152,238 alleles (6.9%); highest among the groups gnomAD compares: African/African-American, 23%; 1,122 homozygotes.

Submission:

GeneDx
Classification: Benign. Last evaluated: 2018-06-14. Review status: criteria provided, single submitter. Criteria: GeneDx Variant Classification (06012015). Collection method: clinical testing. Allele origin: germline. Affected: yes.
Comment: This variant is considered likely benign or benign based on one or more of the following criteria: it is a conservative change, it occurs at a poorly conserved position in the protein, it is predicted to be benign by multiple in silico algorithms, and/or has population frequency not consistent with disease.

NM_001375808.2(LPIN2):c.1793+242G>A

Gene: LPIN2 (lipin 2; minus strand). Cytogenetic location: 18p11.31.
Variant type: single nucleotide variant.
Coding change: c.1793+242G>A on transcript NM_001375808.2 (MANE Select); 242 bases into the intron after coding-DNA position 1793, G replaced by A.
Molecular consequence: intron variant.
Genome position (GRCh38, 1-based): chr18:2,926,481, C>T on the plus strand (G>A on the coding strand, the complement: LPIN2 is on the minus strand). VCF-style: chr18-2926481-C-T. GRCh37 (hg19) VCF-style: chr18-2926479-C-T.
Other names: c.1793+242G>A (NM_014646.2, NM_001375809.1).
Identifiers: ClinVar variation 677719 (VCV000677719.1), dbSNP rs73936863, ClinGen allele CA14580926.